The following is an entry in ClinVar:

ClinVar aggregate classification (germline): Likely benign. Review status: criteria provided, single submitter (1 of 4 stars). 2 submissions from 2 submitters: Likely benign (1). 1 of the submissions does not count toward it. Last evaluated 2024-11-08.

Conditions:
MYRF-related disorder. Also called: MYRF-related disorders; MYRF-related condition.

Allele frequency attached by ClinVar (database versions not stated): ESP Exome Variant Server 0.00008; gnomAD exomes 0.00011; gnomAD 0.00023; TOPMed 0.00025; ExAC 0.00035; 1000 Genomes Project 30x 0.00094; 1000 Genomes Project 0.00100.
gnomAD v4.1: 200 of 1,606,394 alleles (0.012%); highest among the groups gnomAD compares: East Asian, 0.36%; no homozygotes.

Submissions (2):

Blueprint Genetics
Classification: Likely benign. Last evaluated: 2024-11-08. Review status: criteria provided, single submitter. Criteria: ACMG Guidelines, 2015. Collection method: clinical testing. Allele origin: germline.

PreventionGenetics, part of Exact Sciences
Classification: Likely benign for MYRF-related condition. Last evaluated: 2019-04-09. Review status: no assertion criteria provided. Collection method: clinical testing. Allele origin: germline. Not counted in ClinVar's aggregate classification.
Comment: This variant is classified as likely benign based on ACMG/AMP sequence variant interpretation guidelines (Richards et al. 2015 PMID: 25741868, with internal and published modifications).

NM_001127392.3(MYRF):c.1116-6C>T

Gene: MYRF (myelin regulatory factor; plus strand). Cytogenetic location: 11q12.2.
Variant type: single nucleotide variant.
Coding change: c.1116-6C>T on transcript NM_001127392.3 (MANE Select); 6 bases into the intron before coding-DNA position 1116, C replaced by T.
Molecular consequence: intron variant.
Genome position (GRCh38, 1-based): chr11:61,773,961, C>T. VCF-style: chr11-61773961-C-T. GRCh37 (hg19) VCF-style: chr11-61541433-C-T.
Other names: c.1089-6C>T (NM_013279.4).
Identifiers: ClinVar variation 3048051 (VCV003048051.3), dbSNP rs201745778, ClinGen allele CA6037794.
Genomic context (GRCh38, chr11:61,773,961, plus strand): 5'-AGGAGGAACCGATGTTCCAGGCCCGGCTCTGGGGCCTCAGGGGAGTGCCCTCACCCGCCC[C>T]CCCAGGCCCATGCTCACCTACCGCGTGGATGCGGACAAGGGCTTCAACTTTTCGGTGGGC-3'